The following is an entry in ClinVar:

NM_004208.4(AIFM1):c.242G>A (p.Gly81Asp)

Genes: AIFM1 (apoptosis inducing factor mitochondria associated 1; minus strand), RAB33A (RAB33A, member RAS oncogene family; plus strand). Cytogenetic location: Xq26.1.
Variant type: single nucleotide variant.
Coding change: c.242G>A on transcript NM_004208.4 (MANE Select); coding-DNA position 242, G replaced by A.
Protein change: p.Gly81Asp; replaces glycine 81 with aspartic acid.
Molecular consequence: missense variant. On other transcripts: intron variant (1).
Genome position (GRCh38, 1-based): chrX:130,156,468, C>T on the plus strand (G>A on the coding strand, the complement: AIFM1 is on the minus strand). VCF-style: chrX-130156468-C-T. GRCh37 (hg19) VCF-style: chrX-129290442-C-T.
Other names: c.242G>A, p.Gly81Asp (NM_001130847.4); c.107-1182G>A (NM_145812.3); short protein forms G81D.
Identifiers: ClinVar variation 4782706 (VCV004782706.1).

ClinVar aggregate classification (germline): Uncertain significance (1 of 4 stars; one submission).

Conditions:
Combined oxidative phosphorylation deficiency. Identifiers: MedGen C4540031, MONDO:0000732.
Charcot-Marie-Tooth Neuropathy X. Identifiers: MedGen CN118851.

Submission:

Labcorp Genetics (formerly Invitae), Labcorp
Classification: Uncertain significance for Charcot-Marie-Tooth Neuropathy X; Combined oxidative phosphorylation deficiency. Last evaluated: 2026-02-02. Review status: criteria provided, single submitter. Criteria: Invitae Variant Classification Sherloc (09022015). Collection method: clinical testing. Allele origin: germline.
Comment: This sequence change replaces glycine, which is neutral and non-polar, with aspartic acid, which is acidic and polar, at codon 81 of the AIFM1 protein (p.Gly81Asp). This variant is present in population databases (rs759044906, gnomAD 0.008%), including at least one homozygous and/or hemizygous individual. This variant has not been reported in the literature in individuals affected with AIFM1-related conditions. Invitae Evidence Modeling of protein sequence and biophysical properties (such as structural, functional, and spatial information, amino acid conservation, physicochemical variation, residue mobility, and thermodynamic stability) indicates that this missense variant is expected to disrupt AIFM1 protein function with a positive predictive value of 80%. In summary, the available evidence is currently insufficient to determine the role of this variant in disease. Therefore, it has been classified as a Variant of Uncertain Significance.